The following is an entry in ClinVar:

NM_018706.7(DHTKD1):c.2718C>A (p.His906Gln)

Gene: DHTKD1 (dehydrogenase E1 and transketolase domain containing 1; plus strand). Cytogenetic location: 10p14.
Variant type: single nucleotide variant.
Coding change: c.2718C>A on transcript NM_018706.7 (MANE Select); coding-DNA position 2718, C replaced by A.
Protein change: p.His906Gln; replaces histidine 906 with glutamine.
Molecular consequence: missense variant.
Genome position (GRCh38, 1-based): chr10:12,120,846, C>A. VCF-style: chr10-12120846-C-A. GRCh37 (hg19) VCF-style: chr10-12162845-C-A.
Other names: short protein forms H906Q.
Identifiers: ClinVar variation 2117056 (VCV002117056.4), dbSNP rs2491529070, ClinGen allele CA376017847.
Genomic context (GRCh38, chr10:12,120,846, plus strand): 5'-GCTCCGTCTGGTGGGCCGGCCCCCTTTGCCAGTACCCGCTGTAGGAATTGGCACAGTTCA[C>A]TTGCACCAGCATGAAGATATCCTCGCCAAGACCTTCGCTTGATGATGACTTTTGAAGAAA-3'
Protein context (NP_061176.4, residues 896-916): PVPAVGIGTV[His906Gln]LHQHEDILAK

ClinVar aggregate classification (germline): Uncertain significance (1 of 4 stars; one submission).

Conditions:
2-aminoadipic 2-oxoadipic aciduria (AAKAD). Also called: Aminoadipic aciduria; ALPHA-AMINOADIPIC AND ALPHA-KETOADIPIC ACIDURIA. Identifiers: Orphanet 79154, MedGen C1859817, MONDO:0008774, OMIM 204750.

Allele frequency attached by ClinVar (database versions not stated): gnomAD exomes below 0.00001.
gnomAD v4.1: 6 of 1,614,136 alleles (0.00037%); highest among the groups gnomAD compares: Non-Finnish European, 0.00042%; no homozygotes.

Submission:

Labcorp Genetics (formerly Invitae), Labcorp
Classification: Uncertain significance for 2-aminoadipic 2-oxoadipic aciduria. Last evaluated: 2022-10-24. Review status: criteria provided, single submitter. Criteria: Invitae Variant Classification Sherloc (09022015). Collection method: clinical testing. Allele origin: germline.
Comment: This sequence change replaces histidine, which is basic and polar, with glutamine, which is neutral and polar, at codon 906 of the DHTKD1 protein (p.His906Gln). This variant is not present in population databases (gnomAD no frequency). This variant has not been reported in the literature in individuals affected with DHTKD1-related conditions. Advanced modeling of protein sequence and biophysical properties (such as structural, functional, and spatial information, amino acid conservation, physicochemical variation, residue mobility, and thermodynamic stability) has been performed at Invitae for this missense variant, however the output from this modeling did not meet the statistical confidence thresholds required to predict the impact of this variant on DHTKD1 protein function. In summary, the available evidence is currently insufficient to determine the role of this variant in disease. Therefore, it has been classified as a Variant of Uncertain Significance.